The following is an entry in ClinVar:

NM_001363711.2(DUOX2):c.3483C>T (p.Ala1161=)

Gene: DUOX2 (dual oxidase 2; minus strand). Cytogenetic location: 15q21.1.
Variant type: single nucleotide variant.
Coding change: c.3483C>T on transcript NM_001363711.2 (MANE Select); coding-DNA position 3483, C replaced by T.
Protein change: p.Ala1161=; no amino-acid change (alanine 1161 retained).
Molecular consequence: synonymous variant.
Genome position (GRCh38, 1-based): chr15:45,099,415, G>A on the plus strand (C>T on the coding strand, the complement: DUOX2 is on the minus strand). VCF-style: chr15-45099415-G-A. GRCh37 (hg19) VCF-style: chr15-45391613-G-A.
Other names: c.3483C>T, p.Ala1161= (NM_014080.5).
Identifiers: ClinVar variation 316151 (VCV000316151.39), dbSNP rs567703268, ClinGen allele CA7537860.

ClinVar aggregate classification (germline): Conflicting classifications of pathogenicity. Review status: criteria provided, conflicting classifications (1 of 4 stars). 3 submissions from 3 submitters: Uncertain significance (1); Benign (2). Last evaluated 2026-08-01.

Conditions:
Thyroid dyshormonogenesis 6 (TDH6). Also called: THYROID HORMONOGENESIS, GENETIC DEFECT IN, 6; HYPOTHYROIDISM, CONGENITAL, DUE TO DYSHORMONOGENESIS, 6; Genetic transient congenital hypothyroidism. Identifiers: Orphanet 226316, Orphanet 95716, MedGen C1846632, MONDO:0011792, OMIM 607200.

Allele frequency attached by ClinVar (database versions not stated): gnomAD 0.00004 and 0.00058; TOPMed 0.00017; gnomAD exomes 0.00077 and 0.00163; ExAC 0.00190; 1000 Genomes Project 30x 0.00515; 1000 Genomes Project 0.00539.
gnomAD v4.1: 1,224 of 1,614,118 alleles (0.076%); highest among the groups gnomAD compares: South Asian, 1.2%; 15 homozygotes.

Submissions (3):

CeGaT Center for Human Genetics Tuebingen
Classification: Benign. Last evaluated: 2026-08-01. Review status: criteria provided, single submitter. Criteria: CeGaT Center For Human Genetics Tuebingen Variant Classification Criteria Version 2. Collection method: clinical testing. Allele origin: germline. Affected: yes. Observed: 6 variant alleles.
Comment: DUOX2: BP4, BS1, BS2

Labcorp Genetics (formerly Invitae), Labcorp
Classification: Benign. Last evaluated: 2026-01-19. Review status: criteria provided, single submitter. Criteria: Invitae Variant Classification Sherloc (09022015). Collection method: clinical testing. Allele origin: germline.

Illumina Laboratory Services, Illumina
Classification: Uncertain significance for Thyroid dyshormonogenesis 6. Last evaluated: 2018-01-13. Review status: criteria provided, single submitter. Criteria: ICSL Variant Classification Criteria 13 December 2019. Collection method: clinical testing. Allele origin: germline.